The following is an entry in ClinVar:

NM_030662.4(MAP2K2):c.1032G>T (p.Glu344Asp)

Gene: MAP2K2 (mitogen-activated protein kinase kinase 2; minus strand). Cytogenetic location: 19p13.3.
Variant type: single nucleotide variant.
Coding change: c.1032G>T on transcript NM_030662.4 (MANE Select); coding-DNA position 1032, G replaced by T.
Protein change: p.Glu344Asp; replaces glutamic acid 344 with aspartic acid.
Molecular consequence: missense variant.
Genome position (GRCh38, 1-based): chr19:4,095,402, C>A on the plus strand (G>T on the coding strand, the complement: MAP2K2 is on the minus strand). VCF-style: chr19-4095402-C-A. GRCh37 (hg19) VCF-style: chr19-4095400-C-A.
Other names: c.753G>T, p.Glu251Asp (NM_001440688.1); c.462G>T, p.Glu154Asp (NM_001440689.1); short protein forms E154D, E251D, E344D.
Identifiers: ClinVar variation 4802521 (VCV004802521.1).
Genomic context (GRCh38, chr19:4,095,402, plus strand): 5'-ACATCTGGGTCCCGGCCAGGGGTGTGGGCAGCCCGGCTCCACCTACCATTTATTGACAAA[C>A]TCCTGGAAGTCGGGGGTGAACACACCGTTGGGCAGCTTAGGAGGTGGCTGTGGAGGAGAA-3'
Protein context (NP_109587.1, residues 334-354): PNGVFTPDFQ[Glu344Asp]FVNKCLIKNP

ClinVar aggregate classification (germline): Uncertain significance (1 of 4 stars; one submission).

Conditions:
RASopathy. Also called: rasopathies; Noonan spectrum disorder. Identifiers: Orphanet 536391, MedGen C5555857, MONDO:0021060.

Submission:

Labcorp Genetics (formerly Invitae), Labcorp
Classification: Uncertain significance for RASopathy. Last evaluated: 2025-02-28. Review status: criteria provided, single submitter. Criteria: Invitae Variant Classification Sherloc (09022015). Collection method: clinical testing. Allele origin: germline.
Comment: This sequence change replaces glutamic acid, which is acidic and polar, with aspartic acid, which is acidic and polar, at codon 344 of the MAP2K2 protein (p.Glu344Asp). This variant is not present in population databases (gnomAD no frequency). This variant has not been reported in the literature in individuals affected with MAP2K2-related conditions. Invitae Evidence Modeling of protein sequence and biophysical properties (such as structural, functional, and spatial information, amino acid conservation, physicochemical variation, residue mobility, and thermodynamic stability) indicates that this missense variant is not expected to disrupt MAP2K2 protein function with a negative predictive value of 95%. In summary, the available evidence is currently insufficient to determine the role of this variant in disease. Therefore, it has been classified as a Variant of Uncertain Significance.